The following is an entry in ClinVar:

ClinVar aggregate classification (germline): Pathogenic (1 of 4 stars; one submission).

Conditions:
Spastic paraplegia. Identifiers: MedGen C0037772, HP:0001258.

Submission:

Labcorp Genetics (formerly Invitae), Labcorp
Classification: Pathogenic for Spastic paraplegia. Last evaluated: 2021-08-11. Review status: criteria provided, single submitter. Criteria: Invitae Variant Classification Sherloc (09022015). Collection method: clinical testing. Allele origin: germline.
Comment: For these reasons, this variant has been classified as Pathogenic. This variant has not been reported in the literature in individuals affected with SACS-related conditions. This variant is not present in population databases (ExAC no frequency). This sequence change creates a premature translational stop signal (p.Arg515Thrfs*9) in the SACS gene. It is expected to result in an absent or disrupted protein product. Loss-of-function variants in SACS are known to be pathogenic (PMID: 18465152, 20876471).

Literature cited by the submitters: PubMed 18465152; PubMed 20876471.

NM_014363.6(SACS):c.1542dup (p.Arg515fs)

Gene: SACS (sacsin molecular chaperone; minus strand). Cytogenetic location: 13q12.12.
Variant type: Duplication.
Coding change: c.1542dup on transcript NM_014363.6 (MANE Select); coding-DNA position 1542, one base duplicated (A; older notation c.1542dupA).
Protein change: p.Arg515fs; shifts the reading frame from arginine 515.
Molecular consequence: frameshift variant.
Genome position (GRCh38, 1-based): chr13:23,355,070, T duplicated on the plus strand (A on the coding strand, the reverse complement: SACS is on the minus strand); the first of 4 consecutive T bases (chr13:23,355,070-23,355,073); duplicating any one gives the same sequence. VCF-style (leftmost placement, unchanged base first): chr13-23355069-G-GT. GRCh37 (hg19) VCF-style: chr13-23929208-G-GT.
Other names: c.1101dup, p.Arg368fs (NM_001278055.2); short protein forms R515fs, R368fs.
Identifiers: ClinVar variation 1381889 (VCV001381889.6), dbSNP rs2137721367, ClinGen allele CA2573149130.